The following is an entry in ClinVar:

NM_000143.4(FH):c.1167G>A (p.Gly389=)

Gene: FH (fumarate hydratase; minus strand). Cytogenetic location: 1q43.
Variant type: single nucleotide variant.
Coding change: c.1167G>A on transcript NM_000143.4 (MANE Select); coding-DNA position 1167, G replaced by A.
Protein change: p.Gly389=; no amino-acid change (glycine 389 retained).
Molecular consequence: synonymous variant.
Genome position (GRCh38, 1-based): chr1:241,502,512, C>T on the plus strand (G>A on the coding strand, the complement: FH is on the minus strand). VCF-style: chr1-241502512-C-T. GRCh37 (hg19) VCF-style: chr1-241665812-C-T.
Identifiers: ClinVar variation 1092684 (VCV001092684.13), dbSNP rs778969674, ClinGen allele CA1478534.
Genomic context (GRCh38, chr1:241,502,512, plus strand): 5'-CTTGAAAACATTCAACTCAAAATGTCCATTGCTGCCTCCGACAGTGACAGCAACATGGTT[C>T]CCCATGACTTGGGCTGCAACCATGGTCATTGCTTCACACTGAGTAGGGTTCACCTTGCCT-3'
Protein context (NP_000134.2, residues 379-399): AMTMVAAQVM[Gly389=]NHVAVTVGGS

ClinVar aggregate classification (germline): Benign/Likely benign. Review status: criteria provided, multiple submitters, no conflicts (2 of 4 stars). 4 submissions from 4 submitters: Benign (1); Likely benign (3). Last evaluated 2025-06-27.

Conditions:
Hereditary leiomyomatosis and renal cell cancer. Also called: MULTIPLE CUTANEOUS AND UTERINE LEIOMYOMATA 1, WITH OR WITHOUT RENAL CELL CARCINOMA; Reed syndrome; Multiple cutaneous and uterine leiomyomatosis; Cutaneous leiomyomata with uterine leiomyomata; Leiomyoma, hereditary multiple, of skin; Multiple cutaneous and uterine leiomyomata. Identifiers: Orphanet 523, MedGen C1708350, MONDO:0007888, OMIM 150800, HP:0007437. Disease mechanism: loss of function.
Hereditary cancer-predisposing syndrome. Also called: Neoplastic Syndromes, Hereditary; Hereditary Cancer Syndrome; Hereditary neoplastic syndrome; Tumor predisposition. Identifiers: Orphanet 140162, MedGen C0027672, MeSH D009386, MONDO:0015356.

Allele frequency attached by ClinVar (database versions not stated): gnomAD exomes below 0.00001 and 0.00001; TOPMed below 0.00001; ExAC 0.00001; gnomAD 0.00001.

Submissions (4):

Labcorp Genetics (formerly Invitae), Labcorp
Classification: Likely benign. Last evaluated: 2025-06-27. Review status: criteria provided, single submitter. Criteria: Invitae Variant Classification Sherloc (09022015). Collection method: clinical testing. Allele origin: germline.

Myriad Genetics, Inc.
Classification: Benign for Hereditary leiomyomatosis and renal cell cancer. Last evaluated: 2024-10-21. Review status: criteria provided, single submitter. Criteria: Myriad Autosomal Dominant, Autosomal Recessive and X-Linked Classification Criteria (2023). Collection method: clinical testing. Allele origin: unknown.
Comment: This variant is considered benign. This variant is a silent/synonymous amino acid change and it is not expected to impact splicing.

Blueprint Genetics
Classification: Likely benign. Last evaluated: 2022-07-17. Review status: criteria provided, single submitter. Criteria: ACMG Guidelines, 2015. Collection method: clinical testing. Allele origin: germline.

Ambry Genetics
Classification: Likely benign for Hereditary cancer-predisposing syndrome. Last evaluated: 2019-08-03. Review status: criteria provided, single submitter. Criteria: Ambry Variant Classification Scheme 2023. Collection method: clinical testing. Allele origin: germline.